The following is an entry in ClinVar:

ClinVar aggregate classification (germline): Uncertain significance (1 of 4 stars; one submission).

Submission:

Labcorp Genetics (formerly Invitae), Labcorp
Classification: Uncertain significance. Last evaluated: 2022-02-23. Review status: criteria provided, single submitter. Criteria: Invitae Variant Classification Sherloc (09022015). Collection method: clinical testing. Allele origin: germline.
Comment: This variant is not present in population databases (gnomAD no frequency). In summary, the available evidence is currently insufficient to determine the role of this variant in disease. Therefore, it has been classified as a Variant of Uncertain Significance. Advanced modeling of protein sequence and biophysical properties (such as structural, functional, and spatial information, amino acid conservation, physicochemical variation, residue mobility, and thermodynamic stability) performed at Invitae indicates that this missense variant is not expected to disrupt CNGB1 protein function. This variant has not been reported in the literature in individuals affected with CNGB1-related conditions. This sequence change replaces proline, which is neutral and non-polar, with threonine, which is neutral and polar, at codon 1215 of the CNGB1 protein (p.Pro1215Thr).

NM_001297.5(CNGB1):c.3643C>A (p.Pro1215Thr)

Gene: CNGB1 (cyclic nucleotide gated channel subunit beta 1; minus strand). Cytogenetic location: 16q21.
Variant type: single nucleotide variant.
Coding change: c.3643C>A on transcript NM_001297.5 (MANE Select); coding-DNA position 3643, C replaced by A.
Protein change: p.Pro1215Thr; replaces proline 1215 with threonine.
Molecular consequence: missense variant.
Genome position (GRCh38, 1-based): chr16:57,884,277, G>T on the plus strand (C>A on the coding strand, the complement: CNGB1 is on the minus strand). VCF-style: chr16-57884277-G-T. GRCh37 (hg19) VCF-style: chr16-57918181-G-T.
Other names: c.3625C>A, p.Pro1209Thr (NM_001286130.2); short protein forms P1209T, P1215T.
Identifiers: ClinVar variation 1494872 (VCV001494872.6), dbSNP rs1959842423, ClinGen allele CA396059428.
Genomic context (GRCh38, chr16:57,884,277, plus strand): 5'-CTCCCGGCTCCGGGCCCGGGCTCATGCAGATCCTCACCGAGTGCTCTTCGGGCTCGGCCG[G>T]CCCCTCCTCCTCTCCCTCCGGCCTCCCAAGGGAGGCAGGCGGTGGAGAGCTCGGTGGAGA-3'
Protein context (NP_001288.3, residues 1205-1225): LGRPEGEEEG[Pro1215Thr]AEPEEHSVRI